The following is an entry in ClinVar:

NM_000797.4(DRD4):c.232G>A (p.Ala78Thr)

Gene: DRD4 (dopamine receptor D4; plus strand). Cytogenetic location: 11p15.5.
Variant type: single nucleotide variant.
Coding change: c.232G>A on transcript NM_000797.4 (MANE Select); coding-DNA position 232, G replaced by A.
Protein change: p.Ala78Thr; replaces alanine 78 with threonine.
Molecular consequence: missense variant.
Genome position (GRCh38, 1-based): chr11:637,536, G>A. VCF-style: chr11-637536-G-A. GRCh37 (hg19) VCF-style: chr11-637536-G-A.
Other names: short protein forms A78T.
Identifiers: ClinVar variation 3039973 (VCV003039973.2), dbSNP rs146562378, ClinGen allele CA5785564.

ClinVar aggregate classification (germline): Likely benign (0 of 4 stars; one submission).

Conditions:
DRD4-related disorder. Also called: DRD4-related condition.

Allele frequency attached by ClinVar (database versions not stated): gnomAD exomes 0.00021; ExAC 0.00192; gnomAD 0.00214; TOPMed 0.00230; ESP Exome Variant Server 0.00249.
gnomAD v4.1: 623 of 1,564,100 alleles (0.04%); highest among the groups gnomAD compares: African/African-American, 0.8%; 3 homozygotes.

Submission:

PreventionGenetics, part of Exact Sciences
Classification: Likely benign for DRD4-related condition. Last evaluated: 2019-10-02. Review status: no assertion criteria provided. Collection method: clinical testing. Allele origin: germline.
Comment: This variant is classified as likely benign based on ACMG/AMP sequence variant interpretation guidelines (Richards et al. 2015 PMID: 25741868, with internal and published modifications).